The following is an entry in ClinVar:

NM_006031.6(PCNT):c.9556C>T (p.Arg3186Trp)

Gene: PCNT (pericentrin; plus strand). Cytogenetic location: 21q22.3.
Variant type: single nucleotide variant.
Coding change: c.9556C>T on transcript NM_006031.6 (MANE Select); coding-DNA position 9556, C replaced by T.
Protein change: p.Arg3186Trp; replaces arginine 3186 with tryptophan.
Molecular consequence: missense variant.
Genome position (GRCh38, 1-based): chr21:46,441,017, C>T. VCF-style: chr21-46441017-C-T. GRCh37 (hg19) VCF-style: chr21-47860930-C-T.
Other names: c.8965C>T, p.Arg2989Trp (NM_001315529.2); c.9556C>T (NM_006031.5); short protein forms R2989W, R3186W.
Identifiers: ClinVar variation 2175865 (VCV002175865.4), dbSNP rs765572416, ClinGen allele CA10081351.
Genomic context (GRCh38, chr21:46,441,017, plus strand): 5'-TCTGAACAAGAAACACTCTCCATGATTGCCCATTTGGGGGTATTTCCTTCCAAAGCAGAA[C>T]GGAAAATCACATCTCGTCCTTTCACCAGGTTCCGCACGGCCGTCAGGGTGGTCATTGCAA-3'
Protein context (NP_006022.3, residues 3176-3196): HLGVFPSKAE[Arg3186Trp]KITSRPFTRF

ClinVar aggregate classification (germline): Conflicting classifications of pathogenicity. Review status: criteria provided, conflicting classifications (1 of 4 stars). 2 submissions from 2 submitters: Uncertain significance (1); Likely benign (1). Last evaluated 2025-11-10.

Conditions:
PCNT-related disorder. Also called: PCNT-related condition.

Allele frequency attached by ClinVar (database versions not stated): TOPMed 0.00002; gnomAD 0.00004; ExAC 0.00005; gnomAD exomes 0.00009.
gnomAD v4.1: 140 of 1,613,988 alleles (0.0087%); highest among the groups gnomAD compares: East Asian, 0.087%; 2 homozygotes.

Submissions (2):

Labcorp Genetics (formerly Invitae), Labcorp
Classification: Uncertain significance. Last evaluated: 2025-11-10. Review status: criteria provided, single submitter. Criteria: Invitae Variant Classification Sherloc (09022015). Collection method: clinical testing. Allele origin: germline.
Comment: This sequence change replaces arginine, which is basic and polar, with tryptophan, which is neutral and slightly polar, at codon 3186 of the PCNT protein (p.Arg3186Trp). This variant is present in population databases (rs765572416, gnomAD 0.05%). This variant has not been reported in the literature in individuals affected with PCNT-related conditions. ClinVar contains an entry for this variant (Variation ID: 2175865). An algorithm developed to predict the effect of missense changes on protein structure and function (PolyPhen-2) suggests that this variant is likely to be disruptive. In summary, the available evidence is currently insufficient to determine the role of this variant in disease. Therefore, it has been classified as a Variant of Uncertain Significance.

PreventionGenetics, part of Exact Sciences
Classification: Likely benign for PCNT-related condition. Last evaluated: 2024-12-13. Review status: criteria provided, single submitter. Criteria: ACMG Guidelines, 2015. Collection method: clinical testing. Allele origin: germline.
Comment: This variant is classified as likely benign based on ACMG/AMP sequence variant interpretation guidelines (Richards et al. 2015 PMID: 25741868, with internal and published modifications).